The following is an entry in ClinVar:

ClinVar aggregate classification (germline): Uncertain significance. Review status: criteria provided, multiple submitters, no conflicts (2 of 4 stars). 2 submissions from 2 submitters: Uncertain significance (2). Last evaluated 2022-10-04.

Conditions:
Mitochondrial DNA depletion syndrome 13. Also called: FBXL4-Related Encephalomyopathic Mitochondrial DNA Depletion Syndrome; Mitochondrial DNA depletion syndrome 13 (encephalomyopathic type). Identifiers: Orphanet 369897, MedGen C3809592, MONDO:0014198, OMIM 615471.

Allele frequency attached by ClinVar (database versions not stated): gnomAD exomes 0.00001 and 0.00004; ExAC 0.00002; gnomAD 0.00002 and 0.00005; TOPMed 0.00002; 1000 Genomes Project 0.00040; 1000 Genomes Project 30x 0.00047.
gnomAD v4.1: 17 of 1,614,108 alleles (0.0011%); highest among the groups gnomAD compares: East Asian, 0.033%; no homozygotes.

Submissions (2):

Labcorp Genetics (formerly Invitae), Labcorp
Classification: Uncertain significance. Last evaluated: 2022-10-04. Review status: criteria provided, single submitter. Criteria: Invitae Variant Classification Sherloc (09022015). Collection method: clinical testing. Allele origin: germline.
Comment: In summary, the available evidence is currently insufficient to determine the role of this variant in disease. Therefore, it has been classified as a Variant of Uncertain Significance. Advanced modeling of protein sequence and biophysical properties (such as structural, functional, and spatial information, amino acid conservation, physicochemical variation, residue mobility, and thermodynamic stability) performed at Invitae indicates that this missense variant is not expected to disrupt FBXL4 protein function. ClinVar contains an entry for this variant (Variation ID: 437762). This variant has not been reported in the literature in individuals affected with FBXL4-related conditions. This variant is present in population databases (rs568736395, gnomAD 0.05%). This sequence change replaces asparagine, which is neutral and polar, with histidine, which is basic and polar, at codon 495 of the FBXL4 protein (p.Asn495His).

Wong Mito Lab, Molecular and Human Genetics, Baylor College of Medicine
Classification: Uncertain significance for Mitochondrial DNA depletion syndrome 13. Last evaluated: 2017-08-10. Review status: criteria provided, single submitter. Criteria: ACMG Guidelines, 2015. Collection method: reference population. Allele origin: germline.
Comment: The NM_012160.4:c.1483A>C (NP_036292.2:p.Asn495His) [GRCH38: NC_000006.12:g.98875634T>G] variant in FBXL4 gene is interpretated to be a Uncertain Significance - Insufficient Evidence based on ACMG guidelines (PMID: 25741868). This variant meets one or more of the following evidence codes reported in the ACMG-guideline. PM2:This variant is absent in key population databases. Based on this evidence code ClinGen Pathogenicity Calculator (PMID:28081714) suggested that the variant is Uncertain Significance - Insufficient Evidence.

NM_001278716.2(FBXL4):c.1483A>C (p.Asn495His)

Gene: FBXL4 (F-box and leucine rich repeat protein 4; minus strand). Cytogenetic location: 6q16.1.
Variant type: single nucleotide variant.
Coding change: c.1483A>C on transcript NM_001278716.2 (MANE Select); coding-DNA position 1483, A replaced by C.
Protein change: p.Asn495His; replaces asparagine 495 with histidine.
Molecular consequence: missense variant. On other transcripts: non-coding transcript variant (1).
Genome position (GRCh38, 1-based): chr6:98,875,634, T>G on the plus strand (A>C on the coding strand, the complement: FBXL4 is on the minus strand). VCF-style: chr6-98875634-T-G. GRCh37 (hg19) VCF-style: chr6-99323510-T-G.
Other names: c.1483A>C, p.Asn495His (NM_012160.5); short protein forms N495H.
Identifiers: ClinVar variation 437762 (VCV000437762.4), dbSNP rs568736395, ClinGen allele CA3933433.